The following is an entry in ClinVar:

ClinVar aggregate classification (germline): Benign/Likely benign. Review status: criteria provided, multiple submitters, no conflicts (2 of 4 stars). 3 submissions from 3 submitters: Benign (1); Likely benign (1). 1 of the submissions does not count toward it. Last evaluated 2018-07-12.

Conditions:
EHHADH-related disorder. Also called: EHHADH-related condition.

Allele frequency attached by ClinVar (database versions not stated): gnomAD 0.00007 and 0.00014; gnomAD exomes 0.00011 and 0.00029; TOPMed 0.00018; ExAC 0.00031; 1000 Genomes Project 0.00060.
gnomAD v4.1: 195 of 1,614,250 alleles (0.012%); highest among the groups gnomAD compares: East Asian, 0.36%; 1 homozygote.

Submissions (3):

Labcorp Genetics (formerly Invitae), Labcorp
Classification: Benign. Last evaluated: 2018-07-12. Review status: criteria provided, single submitter. Criteria: Invitae Variant Classification Sherloc (09022015). Collection method: clinical testing. Allele origin: germline.

Eurofins Ntd Llc (ga)
Classification: Likely benign. Last evaluated: 2018-04-24. Review status: criteria provided, single submitter. Criteria: EGL ClinVar v180209 classification definitions. Collection method: clinical testing. Allele origin: germline. Observed: 1 variant allele, 1 heterozygote.

PreventionGenetics, part of Exact Sciences
Classification: Likely benign for EHHADH-related condition. Last evaluated: 2022-06-16. Review status: no assertion criteria provided. Collection method: clinical testing. Allele origin: germline. Not counted in ClinVar's aggregate classification.
Comment: This variant is classified as likely benign based on ACMG/AMP sequence variant interpretation guidelines (Richards et al. 2015 PMID: 25741868, with internal and published modifications).

NM_001966.4(EHHADH):c.713A>T (p.Gln238Leu)

Gene: EHHADH (enoyl-CoA hydratase and 3-hydroxyacyl CoA dehydrogenase; minus strand). Cytogenetic location: 3q27.2.
Variant type: single nucleotide variant.
Coding change: c.713A>T on transcript NM_001966.4 (MANE Select); coding-DNA position 713, A replaced by T.
Protein change: p.Gln238Leu; replaces glutamine 238 with leucine.
Molecular consequence: missense variant.
Genome position (GRCh38, 1-based): chr3:185,204,613, T>A on the plus strand (A>T on the coding strand, the complement: EHHADH is on the minus strand). VCF-style: chr3-185204613-T-A. GRCh37 (hg19) VCF-style: chr3-184922401-T-A.
Other names: c.425A>T, p.Gln142Leu (NM_001166415.2); short protein forms Q238L, Q142L.
Identifiers: ClinVar variation 596964 (VCV000596964.10), dbSNP rs200753408, ClinGen allele CA2739145.